The following is an entry in ClinVar:

NM_022836.4(DCLRE1B):c.1148C>T (p.Ala383Val)

Gene: DCLRE1B (DNA cross-link repair 1B; plus strand). Cytogenetic location: 1p13.2.
Variant type: single nucleotide variant.
Coding change: c.1148C>T on transcript NM_022836.4 (MANE Select); coding-DNA position 1148, C replaced by T.
Protein change: p.Ala383Val; replaces alanine 383 with valine.
Molecular consequence: missense variant.
Genome position (GRCh38, 1-based): chr1:113,911,740, C>T. VCF-style: chr1-113911740-C-T. GRCh37 (hg19) VCF-style: chr1-114454362-C-T.
Other names: c.1148C>T (NM_022836.3); c.770C>T, p.Ala257Val (NM_001319946.2, NM_001319947.2, NM_001363691.2); c.1148C>T, p.Ala383Val (NM_001363690.2); short protein forms A257V, A383V.
Identifiers: ClinVar variation 1027291 (VCV001027291.9), dbSNP rs142747676, ClinGen allele CA1016534.

ClinVar aggregate classification (germline): Uncertain significance. Review status: criteria provided, multiple submitters, no conflicts (2 of 4 stars). 2 submissions from 2 submitters: Uncertain significance (2). Last evaluated 2025-05-20.

Conditions:
Hoyeraal-Hreidarsson syndrome (HHS). Also called: CEREBELLAR HYPOPLASIA WITH PANCYTOPENIA. Identifiers: Orphanet 3322, MedGen C1846142, MONDO:0018045.
Autosomal recessive dyskeratosis congenita. Identifiers: MedGen C3502105.

Allele frequency attached by ClinVar (database versions not stated): ExAC 0.00002; gnomAD exomes 0.00002 and 0.00004; gnomAD 0.00010; TOPMed 0.00014; ESP Exome Variant Server 0.00015.

Submissions (2):

Ambry Genetics
Classification: Uncertain significance. Last evaluated: 2025-05-20. Review status: criteria provided, single submitter. Criteria: Ambry Variant Classification Scheme 2023. Collection method: clinical testing. Allele origin: germline.

Labcorp Genetics (formerly Invitae), Labcorp
Classification: Uncertain significance for Hoyeraal-Hreidarsson syndrome; Autosomal recessive dyskeratosis congenita. Last evaluated: 2020-03-26. Review status: criteria provided, single submitter. Criteria: Invitae Variant Classification Sherloc (09022015). Collection method: clinical testing. Allele origin: germline.
Comment: In summary, the available evidence is currently insufficient to determine the role of this variant in disease. Therefore, it has been classified as a Variant of Uncertain Significance. Algorithms developed to predict the effect of missense changes on protein structure and function output the following: SIFT: "Tolerated"; PolyPhen-2: "Benign"; Align-GVGD: "Class C0". The valine amino acid residue is found in multiple mammalian species, suggesting that this missense change does not adversely affect protein function. These predictions have not been confirmed by published functional studies and their clinical significance is uncertain. This variant has not been reported in the literature in individuals with DCLRE1B-related conditions. This variant is present in population databases (rs142747676, ExAC 0.02%). This sequence change replaces alanine with valine at codon 383 of the DCLRE1B protein (p.Ala383Val). The alanine residue is weakly conserved and there is a small physicochemical difference between alanine and valine.